The following is an entry in ClinVar:

NM_001127208.3(TET2):c.590T>C (p.Ile197Thr)

Genes: TET2 (tet methylcytosine dioxygenase 2; plus strand), TET2-AS1 (TET2 antisense RNA 1; minus strand). Cytogenetic location: 4q24.
Variant type: single nucleotide variant.
Coding change: c.590T>C on transcript NM_001127208.3 (MANE Select); coding-DNA position 590, T replaced by C.
Protein change: p.Ile197Thr; replaces isoleucine 197 with threonine.
Molecular consequence: missense variant.
Genome position (GRCh38, 1-based): chr4:105,234,532, T>C. VCF-style: chr4-105234532-T-C. GRCh37 (hg19) VCF-style: chr4-106155689-T-C.
Other names: c.590T>C, p.Ile197Thr (NM_017628.4); short protein forms I197T.
Identifiers: ClinVar variation 3455290 (VCV003455290.1).

ClinVar aggregate classification (germline): Uncertain significance (1 of 4 stars; one submission).

Submission:

Ambry Genetics
Classification: Uncertain significance. Last evaluated: 2024-11-17. Review status: criteria provided, single submitter. Criteria: Ambry Variant Classification Scheme 2023. Collection method: clinical testing. Allele origin: germline.
Comment: The p.I197T variant (also known as c.590T>C), located in coding exon 1 of the TET2 gene, results from a T to C substitution at nucleotide position 590. The isoleucine at codon 197 is replaced by threonine, an amino acid with similar properties. This amino acid position is conserved. In addition, this alteration is predicted to be tolerated by in silico analysis. Based on the available evidence, the clinical significance of this variant remains unclear.